The following is an entry in ClinVar:

ClinVar aggregate classification (germline): Uncertain significance (1 of 4 stars; one submission).

Conditions:
Autosomal recessive ataxia, Beauce type. Also called: Spinocerebellar ataxia, autosomal recessive 8; ATAXIA, RECESSIVE, OF BEAUCE; SYNE1 Deficiency; SYNE1-Related Autosomal Recessive Cerebellar Ataxia. Identifiers: Orphanet 88644, MedGen C1853116, MONDO:0012549, OMIM 610743.
Emery-Dreifuss muscular dystrophy 4, autosomal dominant (EDMD4). Also called: EMERY-DREIFUSS MUSCULAR DYSTROPHY 4 WITH VARIABLE FEATURES. Identifiers: Orphanet 261, MedGen C2751807, MONDO:0013071, OMIM 612998.

Allele frequency attached by ClinVar (database versions not stated): gnomAD 0.00001; gnomAD exomes 0.00002 and 0.00003; ExAC 0.00005.
gnomAD v4.1: 31 of 1,614,074 alleles (0.0019%); highest among the groups gnomAD compares: Non-Finnish European, 0.00068%; no homozygotes.

Submission:

Labcorp Genetics (formerly Invitae), Labcorp
Classification: Uncertain significance for Emery-Dreifuss muscular dystrophy 4, autosomal dominant; Autosomal recessive ataxia, Beauce type. Last evaluated: 2022-08-09. Review status: criteria provided, single submitter. Criteria: Invitae Variant Classification Sherloc (09022015). Collection method: clinical testing. Allele origin: germline.
Comment: This sequence change replaces isoleucine, which is neutral and non-polar, with asparagine, which is neutral and polar, at codon 14 of the SYNE1 protein (p.Ile14Asn). This variant is present in population databases (rs202235488, gnomAD 0.02%). This variant has not been reported in the literature in individuals affected with SYNE1-related conditions. ClinVar contains an entry for this variant (Variation ID: 643342). Algorithms developed to predict the effect of missense changes on protein structure and function are either unavailable or do not agree on the potential impact of this missense change (SIFT: "Deleterious"; PolyPhen-2: "Benign"; Align-GVGD: "Class C0"). In summary, the available evidence is currently insufficient to determine the role of this variant in disease. Therefore, it has been classified as a Variant of Uncertain Significance.

NM_182961.4(SYNE1):c.41T>A (p.Ile14Asn)

Gene: SYNE1 (spectrin repeat containing nuclear envelope protein 1; minus strand). Cytogenetic location: 6q25.2.
Variant type: single nucleotide variant.
Coding change: c.41T>A on transcript NM_182961.4 (MANE Select); coding-DNA position 41, T replaced by A.
Protein change: p.Ile14Asn; replaces isoleucine 14 with asparagine.
Molecular consequence: missense variant.
Genome position (GRCh38, 1-based): chr6:152,628,291, A>T on the plus strand (T>A on the coding strand, the complement: SYNE1 is on the minus strand). VCF-style: chr6-152628291-A-T. GRCh37 (hg19) VCF-style: chr6-152949426-A-T.
Other names: c.41T>A, p.Ile14Asn (NM_033071.5); short protein forms I14N.
Identifiers: ClinVar variation 643342 (VCV000643342.5), dbSNP rs202235488, ClinGen allele CA4059914.
Genomic context (GRCh38, chr6:152,628,291, plus strand): 5'-AATTTTTTTAAAACCTGAAATTTCTTCCCCCTACCTTGCAGCCTCTGCATCACATTGGCG[A>T]TATCCCGAGGACACCGGGAGGCCCCTCTGGAGGTTGCCATGGTCCCTCCGGAAGCACGAA-3'
Protein context (NP_892006.3, residues 4-24): SRGASRCPRD[Ile14Asn]ANVMQRLQDE